The following is an entry in ClinVar:

ClinVar aggregate classification (germline): Uncertain significance. Review status: criteria provided, multiple submitters, no conflicts (2 of 4 stars). 3 submissions from 3 submitters: Uncertain significance (3). Last evaluated 2026-07-21.

Conditions:
Familial thoracic aortic aneurysm and aortic dissection (TAAD). Also called: Thoracic aortic aneurysms and dissections. Identifiers: Orphanet 91387, MedGen C4707243, MONDO:0019625.
Aortic aneurysm, familial thoracic 6 (AAT6). Also called: FAMILIAL THORACIC AORTIC ANEURYSM WITH LIVEDO RETICULARIS AND IRIS FLOCCULI. Identifiers: MedGen C2673186, MONDO:0012730, OMIM 611788.

gnomAD v4.1: 1 of 1,612,558 alleles (0.000062%); highest among the groups gnomAD compares: Non-Finnish European, 0.000085%; no homozygotes.

Submissions (3):

Ambry Genetics
Classification: Uncertain significance for Familial thoracic aortic aneurysm and aortic dissection. Last evaluated: 2026-07-21. Review status: criteria provided, single submitter. Criteria: Ambry Variant Classification Scheme 2023. Collection method: clinical testing. Allele origin: germline.
Comment: The p.R185G variant (also known as c.553C>G), located in coding exon 5 of the ACTA2 gene, results from a C to G substitution at nucleotide position 553. The arginine at codon 185 is replaced by glycine, an amino acid with dissimilar properties. This variant was reported in individual(s) with features consistent with ACTA2-related vascular disorders (Ambry internal data). This amino acid position is highly conserved in available vertebrate species. In addition, this alteration is predicted to be deleterious by in silico analysis. Based on the available evidence, the clinical significance of this variant remains unclear.

GeneDx
Classification: Uncertain significance. Last evaluated: 2023-03-23. Review status: criteria provided, single submitter. Criteria: GeneDx Variant Classification Process June 2021. Collection method: clinical testing. Allele origin: germline. Affected: yes.
Comment: Has not been previously published as pathogenic or benign to our knowledge; Not observed at significant frequency in large population cohorts (gnomAD); In silico analysis supports that this missense variant has a deleterious effect on protein structure/function; This variant is associated with the following publications: (PMID: 19409525)

Labcorp Genetics (formerly Invitae), Labcorp
Classification: Uncertain significance for Aortic aneurysm, familial thoracic 6. Last evaluated: 2021-05-26. Review status: criteria provided, single submitter. Criteria: Invitae Variant Classification Sherloc (09022015). Collection method: clinical testing. Allele origin: germline.
Comment: In summary, the available evidence is currently insufficient to determine the role of this variant in disease. Therefore, it has been classified as a Variant of Uncertain Significance. Advanced modeling of protein sequence and biophysical properties (such as structural, functional, and spatial information, amino acid conservation, physicochemical variation, residue mobility, and thermodynamic stability) performed at Invitae indicates that this missense variant is expected to disrupt ACTA2 protein function. This variant has been observed in individual(s) with thoracic aortic aneurysm and dissection (PMID: 19409525). ClinVar contains an entry for this variant (Variation ID: 519577). This variant is not present in population databases (ExAC no frequency). This sequence change replaces arginine with glycine at codon 185 of the ACTA2 protein (p.Arg185Gly). The arginine residue is highly conserved and there is a moderate physicochemical difference between arginine and glycine.

Literature cited by the submitters: PubMed 19409525 (cited by Labcorp Genetics (formerly Invitae), Labcorp).

NM_001613.4(ACTA2):c.553C>G (p.Arg185Gly)

Gene: ACTA2 (actin alpha 2, smooth muscle; minus strand). Cytogenetic location: 10q23.31.
Variant type: single nucleotide variant.
Coding change: c.553C>G on transcript NM_001613.4 (MANE Select); coding-DNA position 553, C replaced by G.
Protein change: p.Arg185Gly; replaces arginine 185 with glycine.
Molecular consequence: missense variant.
Genome position (GRCh38, 1-based): chr10:88,941,292, G>C on the plus strand (C>G on the coding strand, the complement: ACTA2 is on the minus strand). VCF-style: chr10-88941292-G-C. GRCh37 (hg19) VCF-style: chr10-90701049-G-C.
Other names: c.553C>G, p.Arg185Gly (NM_001141945.3, NM_001320855.2, NM_001406462.1 and 3 more transcripts); c.442C>G, p.Arg148Gly (NM_001406466.1); c.424C>G, p.Arg142Gly (NM_001406467.1, NM_001406468.1, NM_001406469.1); short protein forms R185G, R142G, R148G.
Identifiers: ClinVar variation 519577 (VCV000519577.55), dbSNP rs772473154, ClinGen allele CA211319841.